The following is an entry in ClinVar:

ClinVar aggregate classification (germline): Uncertain significance (1 of 4 stars; one submission).

Allele frequency attached by ClinVar (database versions not stated): gnomAD 0.00001; gnomAD exomes 0.00001.

Submission:

Labcorp Genetics (formerly Invitae), Labcorp
Classification: Uncertain significance. Last evaluated: 2022-06-10. Review status: criteria provided, single submitter. Criteria: Invitae Variant Classification Sherloc (09022015). Collection method: clinical testing. Allele origin: germline.
Comment: In summary, the available evidence is currently insufficient to determine the role of this variant in disease. Therefore, it has been classified as a Variant of Uncertain Significance. Algorithms developed to predict the effect of missense changes on protein structure and function are either unavailable or do not agree on the potential impact of this missense change (SIFT: "Tolerated"; PolyPhen-2: "Possibly Damaging"; Align-GVGD: "Class C0"). This variant has not been reported in the literature in individuals affected with ALPK1-related conditions. This variant is present in population databases (no rsID available, gnomAD 0.002%). This sequence change replaces glutamine, which is neutral and polar, with leucine, which is neutral and non-polar, at codon 662 of the ALPK1 protein (p.Gln662Leu).

NM_025144.4(ALPK1):c.1985A>T (p.Gln662Leu)

Gene: ALPK1 (alpha kinase 1; plus strand). Cytogenetic location: 4q25.
Variant type: single nucleotide variant.
Coding change: c.1985A>T on transcript NM_025144.4 (MANE Select); coding-DNA position 1985, A replaced by T.
Protein change: p.Gln662Leu; replaces glutamine 662 with leucine.
Molecular consequence: missense variant.
Genome position (GRCh38, 1-based): chr4:112,431,532, A>T. VCF-style: chr4-112431532-A-T. GRCh37 (hg19) VCF-style: chr4-113352688-A-T.
Other names: c.1985A>T, p.Gln662Leu (NM_001102406.2); c.1751A>T, p.Gln584Leu (NM_001253884.2); short protein forms Q584L, Q662L.
Identifiers: ClinVar variation 2180863 (VCV002180863.4), dbSNP rs1449976770, ClinGen allele CA357896552.